The following is an entry in ClinVar:

ClinVar aggregate classification (germline): Pathogenic (1 of 4 stars; one submission).

Conditions:
UBE4A-related disorder. Also called: UBE4A-related condition.

Submission:

3billion
Classification: Pathogenic for UBE4A related disorder. Last evaluated: 2022-01-03. Review status: criteria provided, single submitter. Criteria: ACMG Guidelines, 2015. Collection method: clinical testing. Allele origin: germline. Affected: yes. Observed: 1 homozygote.
Comment: Frameshift: predicted to result in a loss or disruption of normal protein function through nonsense-mediated decay (NMD) or protein truncation. Multiple pathogenic variants are reported downstream of the variant (PVS1_VS). It is not observed in the gnomAD v2.1.1 dataset (PM2_M). It has been reported to co-segregate with the disease in at least one similarly affected sibiling in the same family (3billion dataset, PP1_P). Therefore, this variant is classified as pathogenic according to the recommendation of ACMG/AMP guideline.

NM_001204077.2(UBE4A):c.992del (p.Gly331fs)

Gene: UBE4A (ubiquitination factor E4A; plus strand). Cytogenetic location: 11q23.3.
Variant type: Deletion.
Coding change: c.992del on transcript NM_001204077.2 (MANE Select); coding-DNA position 992, one base deleted (G; older notation c.992delG).
Protein change: p.Gly331fs; shifts the reading frame from glycine 331.
Molecular consequence: frameshift variant.
Genome position (GRCh38, 1-based): chr11:118,373,561, G deleted; the last of 3 consecutive G bases (chr11:118,373,559-118,373,561); deleting any one gives the same sequence. VCF-style (leftmost placement, unchanged base first): chr11-118373558-TG-T. GRCh37 (hg19) VCF-style: chr11-118244273-TG-T.
Other names: c.1013del, p.Gly338fs (NM_004788.4); short protein forms G331fs, G338fs.
Identifiers: ClinVar variation 1333516 (VCV001333516.1), dbSNP rs2134092709, ClinGen allele CA2573053440.